The following is an entry in ClinVar:

ClinVar aggregate classification (germline): Uncertain significance. Review status: criteria provided, multiple submitters, no conflicts (2 of 4 stars). 2 submissions from 2 submitters: Uncertain significance (2). Last evaluated 2025-05-22.

Conditions:
Fanconi anemia (FA). Also called: Fanconi's anemia. Identifiers: Orphanet 84, MedGen C0015625, MeSH D005199, MONDO:0019391.
Inborn genetic diseases. Identifiers: MedGen C0950123, MeSH D030342.

Allele frequency attached by ClinVar (database versions not stated): ExAC 0.00001; gnomAD 0.00001; gnomAD exomes 0.00001; 1000 Genomes Project 0.00020; 1000 Genomes Project 30x 0.00031.
gnomAD v4.1: 1 of 1,611,948 alleles (0.000062%); highest among the groups gnomAD compares: East Asian, 0.0022%; no homozygotes.

Submissions (2):

Ambry Genetics
Classification: Uncertain significance for Inborn genetic diseases. Last evaluated: 2025-05-22. Review status: criteria provided, single submitter. Criteria: Ambry Variant Classification Scheme 2023. Collection method: clinical testing. Allele origin: germline.
Comment: The p.M787I variant (also known as c.2361G>A), located in coding exon 14 of the FANCM gene, results from a G to A substitution at nucleotide position 2361. The methionine at codon 787 is replaced by isoleucine, an amino acid with highly similar properties. This amino acid position is conserved. In addition, this alteration is predicted to be tolerated by in silico analysis. Based on the available evidence, the clinical significance of this variant remains unclear.

Labcorp Genetics (formerly Invitae), Labcorp
Classification: Uncertain significance for Fanconi anemia. Last evaluated: 2024-09-11. Review status: criteria provided, single submitter. Criteria: Invitae Variant Classification Sherloc (09022015). Collection method: clinical testing. Allele origin: germline.
Comment: This sequence change replaces methionine, which is neutral and non-polar, with isoleucine, which is neutral and non-polar, at codon 787 of the FANCM protein (p.Met787Ile). This variant is present in population databases (rs201921949, gnomAD 0.006%). This variant has not been reported in the literature in individuals affected with FANCM-related conditions. ClinVar contains an entry for this variant (Variation ID: 1415724). An algorithm developed to predict the effect of missense changes on protein structure and function outputs the following: PolyPhen-2: "Benign". The isoleucine amino acid residue is found in multiple mammalian species, which suggests that this missense change does not adversely affect protein function. In summary, the available evidence is currently insufficient to determine the role of this variant in disease. Therefore, it has been classified as a Variant of Uncertain Significance.

NM_020937.4(FANCM):c.2361G>A (p.Met787Ile)

Gene: FANCM (FA complementation group M; plus strand). Cytogenetic location: 14q21.2.
Variant type: single nucleotide variant.
Coding change: c.2361G>A on transcript NM_020937.4 (MANE Select); coding-DNA position 2361, G replaced by A.
Protein change: p.Met787Ile; replaces methionine 787 with isoleucine.
Molecular consequence: missense variant.
Genome position (GRCh38, 1-based): chr14:45,175,115, G>A. VCF-style: chr14-45175115-G-A. GRCh37 (hg19) VCF-style: chr14-45644318-G-A.
Other names: c.2361G>A (NM_020937.2); c.2283G>A, p.Met761Ile (NM_001308133.2); short protein forms M761I, M787I.
Identifiers: ClinVar variation 1415724 (VCV001415724.8), dbSNP rs201921949, ClinGen allele CA7169341.